The following is an entry in ClinVar:

ClinVar aggregate classification (germline): Likely benign. Review status: criteria provided, multiple submitters, no conflicts (2 of 4 stars). 2 submissions from 2 submitters: Likely benign (2). Last evaluated 2025-06-01.

Submissions (2):

CeGaT Center for Human Genetics Tuebingen
Classification: Likely benign. Last evaluated: 2025-06-01. Review status: criteria provided, single submitter. Criteria: CeGaT Center For Human Genetics Tuebingen Variant Classification Criteria Version 2. Collection method: clinical testing. Allele origin: germline. Affected: yes. Observed: 1 variant allele.
Comment: MYH7: PM2:Supporting, BP4, BP7

Women's Health and Genetics/Laboratory Corporation of America, LabCorp
Classification: Likely benign. Last evaluated: 2023-08-19. Review status: criteria provided, single submitter. Criteria: LabCorp Variant Classification Summary - May 2015. Collection method: clinical testing. Allele origin: germline.

NM_000257.4(MYH7):c.258A>G (p.Lys86=)

Gene: MYH7 (myosin heavy chain 7; minus strand). Cytogenetic location: 14q11.2.
Variant type: single nucleotide variant.
Coding change: c.258A>G on transcript NM_000257.4 (MANE Select); coding-DNA position 258, A replaced by G.
Protein change: p.Lys86=; no amino-acid change (lysine 86 retained).
Molecular consequence: synonymous variant.
Genome position (GRCh38, 1-based): chr14:23,433,171, T>C on the plus strand (A>G on the coding strand, the complement: MYH7 is on the minus strand). VCF-style: chr14-23433171-T-C. GRCh37 (hg19) VCF-style: chr14-23902380-T-C.
Other names: c.258A>G, p.Lys86= (NM_001407004.1).
Identifiers: ClinVar variation 2581201 (VCV002581201.11), dbSNP rs2138685669, ClinGen allele CA485626908.